The following is an entry in ClinVar:

NM_001368882.1(COL13A1):c.1288G>T (p.Glu430Ter)

Gene: COL13A1 (collagen type XIII alpha 1 chain; plus strand). Cytogenetic location: 10q22.1.
Variant type: single nucleotide variant.
Coding change: c.1288G>T on transcript NM_001368882.1 (MANE Select); coding-DNA position 1288, G replaced by T.
Protein change: p.Glu430Ter; replaces glutamic acid 430 with a stop codon.
Molecular consequence: nonsense.
Genome position (GRCh38, 1-based): chr10:69,924,966, G>T. VCF-style: chr10-69924966-G-T. GRCh37 (hg19) VCF-style: chr10-71684722-G-T.
Other names: c.1255G>T, p.Glu419Ter (NM_001130103.2); c.1225G>T, p.Glu409Ter (NM_001320951.2, NM_001368884.1); c.1252G>T, p.Glu418Ter (NM_001368883.1); c.1189G>T, p.Glu397Ter (NM_001368885.1, NM_080801.4, NM_080802.4); c.625G>T, p.Glu209Ter (NM_001368886.1); c.1198G>T, p.Glu400Ter (NM_001368895.1, NM_080800.4); c.1084G>T, p.Glu362Ter (NM_001368896.1, NM_001368898.1, NM_080798.4); c.1111G>T, p.Glu371Ter (NM_001368897.1); and 1 more; short protein forms E371*, E418*, E430*, E368*, E397*, E409*, E209*, E400*.
Identifiers: ClinVar variation 3689777 (VCV003689777.2).
Genomic context (GRCh38, chr10:69,924,966, plus strand): 5'-ATCAGGCTCTCTGTACCAACTTTATCCCCACTTTGCTCCAATTTTGTCATGCAACAGGGG[G>T]AGCGTGGAGCAGCTGGAGAACAGGGACCAGATGGCCCCAAGGTATGTGCCTCTCCCTCCT-3'

ClinVar aggregate classification (germline): Pathogenic (1 of 4 stars; one submission).

gnomAD v4.1: 1 of 1,590,534 alleles (0.000063%); highest among the groups gnomAD compares: Non-Finnish European, 0.000086%; no homozygotes.

Submission:

Labcorp Genetics (formerly Invitae), Labcorp
Classification: Pathogenic. Last evaluated: 2024-06-20. Review status: criteria provided, single submitter. Criteria: Invitae Variant Classification Sherloc (09022015). Collection method: clinical testing. Allele origin: germline.
Comment: This sequence change creates a premature translational stop signal (p.Glu419*) in the COL13A1 gene. It is expected to result in an absent or disrupted protein product. Loss-of-function variants in COL13A1 are known to be pathogenic (PMID: 26626625). This variant is not present in population databases (gnomAD no frequency). This variant has not been reported in the literature in individuals affected with COL13A1-related conditions. Algorithms developed to predict the effect of sequence changes on RNA splicing suggest that this variant may disrupt the consensus splice site. For these reasons, this variant has been classified as Pathogenic.

Literature cited by the submitters: PubMed 26626625.